The following is an entry in ClinVar:

ClinVar aggregate classification (germline): Benign/Likely benign. Review status: criteria provided, multiple submitters, no conflicts (2 of 4 stars). 3 submissions from 3 submitters: Benign (1); Likely benign (2). Last evaluated 2026-02-06.

Conditions:
Hereditary cancer-predisposing syndrome. Also called: Neoplastic Syndromes, Hereditary; Tumor predisposition; Hereditary neoplastic syndrome; Hereditary Cancer Syndrome. Identifiers: Orphanet 140162, MedGen C0027672, MeSH D009386, MONDO:0015356.
Familial cancer of breast. Also called: BREAST CANCER, FAMILIAL; hereditary breast carcinoma; Hereditary breast cancer. Identifiers: Orphanet 227535, MedGen C0346153, MONDO:0016419, OMIM 114480. Disease mechanism: loss of function.
Fanconi anemia complementation group J. Also called: BRIP1-Related Fanconi Anemia. Identifiers: Orphanet 84, MedGen C1836860, MONDO:0012187, OMIM 609054.

Submissions (3):

Ambry Genetics
Classification: Likely benign for Hereditary cancer-predisposing syndrome. Last evaluated: 2026-02-06. Review status: criteria provided, single submitter. Criteria: Ambry Variant Classification Scheme 2023. Collection method: clinical testing. Allele origin: germline.

Myriad Genetics, Inc.
Classification: Benign for Familial cancer of breast. Last evaluated: 2024-08-21. Review status: criteria provided, single submitter. Criteria: Myriad Autosomal Dominant, Autosomal Recessive and X-Linked Classification Criteria (2023). Collection method: clinical testing. Allele origin: unknown.
Comment: This variant is considered benign. This variant is a silent/synonymous amino acid change and it is not expected to impact splicing.

Labcorp Genetics (formerly Invitae), Labcorp
Classification: Likely benign for Familial cancer of breast; Fanconi anemia complementation group J. Last evaluated: 2022-01-06. Review status: criteria provided, single submitter. Criteria: Invitae Variant Classification Sherloc (09022015). Collection method: clinical testing. Allele origin: germline.

NM_032043.3(BRIP1):c.549G>A (p.Leu183=)

Gene: BRIP1 (BRCA1 interacting DNA helicase 1; minus strand). Cytogenetic location: 17q23.2.
Variant type: single nucleotide variant.
Coding change: c.549G>A on transcript NM_032043.3 (MANE Select); coding-DNA position 549, G replaced by A.
Protein change: p.Leu183=; no amino-acid change (leucine 183 retained).
Molecular consequence: synonymous variant.
Genome position (GRCh38, 1-based): chr17:61,847,179, C>T on the plus strand (G>A on the coding strand, the complement: BRIP1 is on the minus strand). VCF-style: chr17-61847179-C-T. GRCh37 (hg19) VCF-style: chr17-59924540-C-T.
Identifiers: ClinVar variation 414690 (VCV000414690.14), dbSNP rs1060504335, ClinGen allele CA16615541.